The following is an entry in ClinVar:

NM_001854.4(COL11A1):c.2897G>T (p.Gly966Val)

Gene: COL11A1 (collagen type XI alpha 1 chain; minus strand). Cytogenetic location: 1p21.1.
Variant type: single nucleotide variant.
Coding change: c.2897G>T on transcript NM_001854.4 (MANE Select); coding-DNA position 2897, G replaced by T.
Protein change: p.Gly966Val; replaces glycine 966 with valine.
Molecular consequence: missense variant. On other transcripts: non-coding transcript variant (1).
Genome position (GRCh38, 1-based): chr1:102,965,506, C>A on the plus strand (G>T on the coding strand, the complement: COL11A1 is on the minus strand). VCF-style: chr1-102965506-C-A. GRCh37 (hg19) VCF-style: chr1-103431062-C-A.
Other names: c.2549G>T, p.Gly850Val (NM_001168249.1, NM_080630.4); c.2780G>T, p.Gly927Val (NM_001190709.2); c.2933G>T, p.Gly978Val (NM_080629.3); short protein forms G927V, G978V, G850V, G966V.
Identifiers: ClinVar variation 2698527 (VCV002698527.4), dbSNP rs1180994816, ClinGen allele CA341159766.
Genomic context (GRCh38, chr1:102,965,506, plus strand): 5'-AAAAATAAATCTTGCTTGGGAAATAAAGCAAAGGAACATACCTGTGGTCCAACCACTCCC[C>A]CTGGCCCAGGAGGGCCGGTCTTGCCTTGAAATCCCTAAGGAGGCAAAGTATTATTTGTAA-3'
Protein context (NP_001845.3, residues 956-976): FQGKTGPPGP[Gly966Val]GVVGPQGPTG

ClinVar aggregate classification (germline): Uncertain significance. Review status: criteria provided, multiple submitters, no conflicts (2 of 4 stars). 4 submissions from 2 submitters: Uncertain significance (4). Last evaluated 2024-03-28.

Conditions:
Hearing loss, autosomal dominant 37. Also called: DEAFNESS, AUTOSOMAL DOMINANT 37. Identifiers: MedGen C4760307, MONDO:0032802, OMIM 618533.
Stickler syndrome type 2 (STL2). Also called: COL11A1-Related Stickler Syndrome; STICKLER SYNDROME, TYPE II; STICKLER SYNDROME, BEADED VITREOUS TYPE; STICKLER SYNDROME, VITREOUS TYPE 2. Identifiers: Orphanet 828, Orphanet 90654, MedGen C1858084, MONDO:0011493, OMIM 604841.
Marshall syndrome (MRSHS). Identifiers: Orphanet 560, MedGen C0265235, MONDO:0007949, OMIM 154780.

gnomAD v4.1: 1 of 1,613,692 alleles (0.000062%); highest among the groups gnomAD compares: Non-Finnish European, 0.000085%; no homozygotes.

Submissions (4):

Baylor Genetics
Classification: Uncertain significance for Stickler syndrome type 2. Last evaluated: 2024-03-28. Review status: criteria provided, single submitter. Criteria: ACMG Guidelines, 2015. Collection method: clinical testing. Allele origin: unknown.

Baylor Genetics
Classification: Uncertain significance for Marshall syndrome. Last evaluated: 2024-03-28. Review status: criteria provided, single submitter. Criteria: ACMG Guidelines, 2015. Collection method: clinical testing. Allele origin: unknown.

Baylor Genetics
Classification: Uncertain significance for Hearing loss, autosomal dominant 37. Last evaluated: 2024-03-28. Review status: criteria provided, single submitter. Criteria: ACMG Guidelines, 2015. Collection method: clinical testing. Allele origin: unknown.

Labcorp Genetics (formerly Invitae), Labcorp
Classification: Uncertain significance. Last evaluated: 2023-11-24. Review status: criteria provided, single submitter. Criteria: Invitae Variant Classification Sherloc (09022015). Collection method: clinical testing. Allele origin: germline.
Comment: This sequence change replaces glycine, which is neutral and non-polar, with valine, which is neutral and non-polar, at codon 966 of the COL11A1 protein (p.Gly966Val). This variant is not present in population databases (gnomAD no frequency). This variant has not been reported in the literature in individuals affected with COL11A1-related conditions. Advanced modeling of protein sequence and biophysical properties (such as structural, functional, and spatial information, amino acid conservation, physicochemical variation, residue mobility, and thermodynamic stability) performed at Invitae indicates that this missense variant is not expected to disrupt COL11A1 protein function with a negative predictive value of 95%. In summary, the available evidence is currently insufficient to determine the role of this variant in disease. Therefore, it has been classified as a Variant of Uncertain Significance.